The following is an entry in ClinVar:

ClinVar aggregate classification (germline): Uncertain significance (1 of 4 stars; one submission).

Submission:

Labcorp Genetics (formerly Invitae), Labcorp
Classification: Uncertain significance. Last evaluated: 2025-02-15. Review status: criteria provided, single submitter. Criteria: Invitae Variant Classification Sherloc (09022015). Collection method: clinical testing. Allele origin: germline.
Comment: This sequence change replaces tyrosine, which is neutral and polar, with cysteine, which is neutral and slightly polar, at codon 385 of the KLHL7 protein (p.Tyr385Cys). This variant is not present in population databases (gnomAD no frequency). This variant has not been reported in the literature in individuals affected with KLHL7-related conditions. ClinVar contains an entry for this variant (Variation ID: 1717301). An algorithm developed to predict the effect of missense changes on protein structure and function (PolyPhen-2) suggests that this variant is likely to be disruptive. In summary, the available evidence is currently insufficient to determine the role of this variant in disease. Therefore, it has been classified as a Variant of Uncertain Significance.

NM_001031710.3(KLHL7):c.1154A>G (p.Tyr385Cys)

Gene: KLHL7 (kelch like family member 7; plus strand). Cytogenetic location: 7p15.3.
Variant type: single nucleotide variant.
Coding change: c.1154A>G on transcript NM_001031710.3 (MANE Select); coding-DNA position 1154, A replaced by G.
Protein change: p.Tyr385Cys; replaces tyrosine 385 with cysteine.
Molecular consequence: missense variant. On other transcripts: non-coding transcript variant (1).
Genome position (GRCh38, 1-based): chr7:23,165,915, A>G. VCF-style: chr7-23165915-A-G. GRCh37 (hg19) VCF-style: chr7-23205534-A-G.
Other names: c.1010A>G, p.Tyr337Cys (NM_018846.5); short protein forms Y337C, Y385C.
Identifiers: ClinVar variation 1717301 (VCV001717301.5), dbSNP rs2534925646, ClinGen allele CA366981588.